The following is an entry in ClinVar:

ClinVar aggregate classification (germline): Likely benign (1 of 4 stars; one submission).

gnomAD v4.1: 54 of 1,613,870 alleles (0.0033%); highest among the groups gnomAD compares: South Asian, 0.058%; no homozygotes.

Submission:

CeGaT Center for Human Genetics Tuebingen
Classification: Likely benign. Last evaluated: 2026-08-01. Review status: criteria provided, single submitter. Criteria: CeGaT Center For Human Genetics Tuebingen Variant Classification Criteria Version 2. Collection method: clinical testing. Allele origin: germline. Affected: yes. Observed: 1 variant allele.
Comment: SPEN: BP4, BP7

NM_015001.3(SPEN):c.4500T>C (p.Ile1500=)

Gene: SPEN (spen family transcriptional repressor; plus strand). Cytogenetic location: 1p36.13.
Variant type: single nucleotide variant.
Coding change: c.4500T>C on transcript NM_015001.3 (MANE Select); coding-DNA position 4500, T replaced by C.
Protein change: p.Ile1500=; no amino-acid change (isoleucine 1500 retained).
Molecular consequence: synonymous variant.
Genome position (GRCh38, 1-based): chr1:15,930,740, T>C. VCF-style: chr1-15930740-T-C. GRCh37 (hg19) VCF-style: chr1-16257235-T-C.
Identifiers: ClinVar variation 5039388 (VCV005039388.1).